The following is an entry in ClinVar:

NM_000810.4(GABRA5):c.1089G>C (p.Lys363Asn)

Gene: GABRA5 (gamma-aminobutyric acid type A receptor subunit alpha5; plus strand). Cytogenetic location: 15q12.
Variant type: single nucleotide variant.
Coding change: c.1089G>C on transcript NM_000810.4 (MANE Select); coding-DNA position 1089, G replaced by C.
Protein change: p.Lys363Asn; replaces lysine 363 with asparagine.
Molecular consequence: missense variant.
Genome position (GRCh38, 1-based): chr15:26,943,426, G>C. VCF-style: chr15-26943426-G-C. GRCh37 (hg19) VCF-style: chr15-27188573-G-C.
Other names: c.1089G>C, p.Lys363Asn (NM_001165037.2); short protein forms K363N.
Identifiers: ClinVar variation 1305010 (VCV001305010.3), dbSNP rs2140596800, ClinGen allele CA391462301.

ClinVar aggregate classification (germline): Uncertain significance (1 of 4 stars; one submission).

Allele frequency attached by ClinVar (database versions not stated): gnomAD exomes below 0.00001.
gnomAD v4.1: 1 of 1,581,782 alleles (0.000063%); highest among the groups gnomAD compares: Non-Finnish European, 0.000086%; no homozygotes.

Submission:

GeneDx
Classification: Uncertain significance. Last evaluated: 2023-11-19. Review status: criteria provided, single submitter. Criteria: GeneDx Variant Classification Process June 2021. Collection method: clinical testing. Allele origin: germline. Affected: yes.
Comment: Has not been previously published as pathogenic or benign to our knowledge; Not observed at significant frequency in large population cohorts (gnomAD); In silico analysis supports that this missense variant has a deleterious effect on splicing